The following is an entry in ClinVar:

ClinVar aggregate classification (germline): Uncertain significance. Review status: criteria provided, multiple submitters, no conflicts (2 of 4 stars). 2 submissions from 2 submitters: Uncertain significance (2). Last evaluated 2021-10-04.

Allele frequency attached by ClinVar (database versions not stated): TOPMed below 0.00001; gnomAD 0.00001.

Submissions (2):

Labcorp Genetics (formerly Invitae), Labcorp
Classification: Uncertain significance. Last evaluated: 2021-10-04. Review status: criteria provided, single submitter. Criteria: Invitae Variant Classification Sherloc (09022015). Collection method: clinical testing. Allele origin: germline.
Comment: In summary, the available evidence is currently insufficient to determine the role of this variant in disease. Therefore, it has been classified as a Variant of Uncertain Significance. Algorithms developed to predict the effect of sequence changes on RNA splicing suggest that this variant may create or strengthen a splice site. Algorithms developed to predict the effect of missense changes on protein structure and function are either unavailable or do not agree on the potential impact of this missense change (SIFT: "Deleterious"; PolyPhen-2: "Benign"; Align-GVGD: "Class C0"). This variant has not been reported in the literature in individuals affected with FLVCR1-related conditions. This variant is not present in population databases (ExAC no frequency). This sequence change replaces arginine with glutamine at codon 106 of the FLVCR1 protein (p.Arg106Gln). The arginine residue is highly conserved and there is a small physicochemical difference between arginine and glutamine.

Blueprint Genetics
Classification: Uncertain significance. Last evaluated: 2019-02-28. Review status: criteria provided, single submitter. Criteria: ACMG Guidelines, 2015. Collection method: clinical testing. Allele origin: germline.

NM_014053.4(FLVCR1):c.317G>A (p.Arg106Gln)

Gene: FLVCR1 (FLVCR choline and heme transporter 1; plus strand). Cytogenetic location: 1q32.3.
Variant type: single nucleotide variant.
Coding change: c.317G>A on transcript NM_014053.4 (MANE Select); coding-DNA position 317, G replaced by A.
Protein change: p.Arg106Gln; replaces arginine 106 with glutamine.
Molecular consequence: missense variant.
Genome position (GRCh38, 1-based): chr1:212,858,769, G>A. VCF-style: chr1-212858769-G-A. GRCh37 (hg19) VCF-style: chr1-213032111-G-A.
Other names: short protein forms R106Q.
Identifiers: ClinVar variation 1509407 (VCV001509407.7), dbSNP rs772065005, ClinGen allele CA36896896.